The following is an entry in ClinVar:

NM_015001.3(SPEN):c.1750-4A>T

Gene: SPEN (spen family transcriptional repressor; plus strand). Cytogenetic location: 1p36.13.
Variant type: single nucleotide variant.
Coding change: c.1750-4A>T on transcript NM_015001.3 (MANE Select); 4 bases into the intron before coding-DNA position 1750, A replaced by T.
Molecular consequence: intron variant.
Genome position (GRCh38, 1-based): chr1:15,922,245, A>T. VCF-style: chr1-15922245-A-T. GRCh37 (hg19) VCF-style: chr1-16248740-A-T.
Other names: NC_000001.10:g.16248740A>T.
Identifiers: ClinVar variation 2230547 (VCV002230547.5), dbSNP rs746134185, ClinGen allele CA619142.

ClinVar aggregate classification (germline): Likely benign. Review status: criteria provided, single submitter (1 of 4 stars). 2 submissions from 2 submitters: Likely benign (1). 1 of the submissions does not count toward it. Last evaluated 2021-11-05.

Conditions:
Inborn genetic diseases. Identifiers: MedGen C0950123, MeSH D030342.
SPEN-related disorder. Also called: SPEN-related condition.

Allele frequency attached by ClinVar (database versions not stated): gnomAD 0.00003; ExAC 0.00004; gnomAD exomes 0.00047.
gnomAD v4.1: 621 of 1,471,466 alleles (0.042%); highest among the groups gnomAD compares: Admixed American, 0.085%; no homozygotes.

Submissions (6):

Ambry Genetics
Classification: Likely benign for Inborn genetic diseases. Last evaluated: 2021-11-05. Review status: criteria provided, single submitter. Criteria: Ambry Variant Classification Scheme 2023. Collection method: clinical testing. Allele origin: germline.

PreventionGenetics, part of Exact Sciences
Classification: Likely benign for SPEN-related condition. Last evaluated: 2019-08-05. Review status: no assertion criteria provided. Collection method: clinical testing. Allele origin: germline. Not counted in ClinVar's aggregate classification.
Comment: This variant is classified as likely benign based on ACMG/AMP sequence variant interpretation guidelines (Richards et al. 2015 PMID: 25741868, with internal and published modifications).

Dr. Peter K. Rogan Lab, Western University
No classification provided (evidence only). Condition: Sarcoma. Review status: no classification provided. Collection method: in vitro. Allele origin: not applicable. Functional consequence: retained intron. Not counted in ClinVar's aggregate classification.

Dr. Peter K. Rogan Lab, Western University
No classification provided (evidence only). Condition: Sarcoma. Review status: no classification provided. Collection method: in vitro. Allele origin: not applicable. Functional consequence: retained intron. Not counted in ClinVar's aggregate classification.

Dr. Peter K. Rogan Lab, Western University
No classification provided (evidence only). Condition: Thymoma. Review status: no classification provided. Collection method: in vitro. Allele origin: not applicable. Functional consequence: retained intron. Not counted in ClinVar's aggregate classification.

Dr. Peter K. Rogan Lab, Western University
No classification provided (evidence only). Condition: Malignant tumor of esophagus. Review status: no classification provided. Collection method: in vitro. Allele origin: not applicable. Functional consequence: retained intron. Not counted in ClinVar's aggregate classification.